The following is an entry in ClinVar:

ClinVar aggregate classification (germline): Likely pathogenic (1 of 4 stars; one submission).

Conditions:
Sotos syndrome (SOTOS). Also called: CHROMOSOME 5q35 DELETION SYNDROME; SOTOS SYNDROME 1; CEREBRAL GIGANTISM; Sotos' syndrome; Distinctive facial appearance, overgrowth in childhood, and learning disabilities or delayed development. Identifiers: Orphanet 821, MedGen C0175695, MONDO:0019349, OMIM 117550.

Submission:

Laboratorio de Genetica e Diagnostico Molecular, Hospital Israelita Albert Einstein
Classification: Likely pathogenic for Sotos syndrome. Last evaluated: 2024-08-06. Review status: criteria provided, single submitter. Criteria: ACMG Guidelines, 2015. Collection method: clinical testing. Allele origin: germline. Affected: yes.
Comment: ACMG classification criteria: PVS1 very strong, PM2 supporting

NM_022455.5(NSD1):c.4882dup (p.Met1628fs)

Gene: NSD1 (nuclear receptor binding SET domain protein 1; plus strand). Cytogenetic location: 5q35.3.
Variant type: Duplication.
Coding change: c.4882dup on transcript NM_022455.5 (MANE Select); coding-DNA position 4882, one base duplicated (A; older notation c.4882dupA).
Protein change: p.Met1628fs; shifts the reading frame from methionine 1628.
Molecular consequence: frameshift variant.
Genome position (GRCh38, 1-based): chr5:177,257,067, A duplicated. VCF-style (leftmost placement, unchanged base first): chr5-177257066-T-TA. GRCh37 (hg19) VCF-style: chr5-176684067-T-TA.
Other names: c.4009dup, p.Met1337fs (NM_001365684.2, NM_001409308.1, NM_001409309.1 and 1 more transcripts); c.4882dup, p.Met1628fs (NM_001409301.1, NM_001409302.1, NM_001409303.1); c.4462dup, p.Met1488fs (NM_001409304.1); c.4129dup, p.Met1377fs (NM_001409305.1); c.4120dup, p.Met1374fs (NM_001409306.1, NM_001409307.1); short protein forms M1337fs, M1374fs, M1377fs, M1488fs, M1628fs.
Identifiers: ClinVar variation 4056681 (VCV004056681.1).
Genomic context (GRCh38, chr5:177,257,066, plus strand): 5'-TCTACCCTTGTGTGGAAAGTTTTACCATGAAGAGTGTGTCCAGAAGTACCCACCCACTGT[T>TA]ATGCAGAACAAGGGCTTCCGGTGCTCCCTCCACATCTGTATAACCTGTCATGCTGCTAAT-3'